The following is an entry in ClinVar:

ClinVar aggregate classification (germline): Uncertain significance (1 of 4 stars; one submission).

Conditions:
Hereditary cancer-predisposing syndrome. Also called: Neoplastic Syndromes, Hereditary; Tumor predisposition; Hereditary Cancer Syndrome; Hereditary neoplastic syndrome. Identifiers: Orphanet 140162, MedGen C0027672, MeSH D009386, MONDO:0015356.

Submission:

Ambry Genetics
Classification: Uncertain significance for Hereditary cancer-predisposing syndrome. Last evaluated: 2025-09-12. Review status: criteria provided, single submitter. Criteria: Ambry Variant Classification Scheme 2023. Collection method: clinical testing. Allele origin: germline.
Comment: The c.4194T>C variant (also known as p.H1398H), located in coding exon 29 of the SMARCA4 gene, results from a T to C substitution at nucleotide position 4194. This nucleotide substitution does not change the histidine at codon 1398. This nucleotide position is highly conserved in available vertebrate species. In silico splice site analysis predicts that this alteration may result in the creation or strengthening of a novel splice acceptor site. Based on the available evidence, the clinical significance of this variant remains unclear.

NM_001387283.1(SMARCA4):c.4194T>C (p.His1398=)

Gene: SMARCA4 (SWI/SNF related BAF chromatin remodeling complex subunit ATPase 4; plus strand). Cytogenetic location: 19p13.2.
Variant type: single nucleotide variant.
Coding change: c.4194T>C on transcript NM_001387283.1 (MANE Plus Clinical); coding-DNA position 4194, T replaced by C.
Protein change: p.His1398=; no amino-acid change (histidine 1398 retained).
Molecular consequence: synonymous variant. On other transcripts: intron variant (7).
Genome position (GRCh38, 1-based): chr19:11,039,481, T>C. VCF-style: chr19-11039481-T-C. GRCh37 (hg19) VCF-style: chr19-11150157-T-C.
Other names: c.4194T>C, p.His1398= (NM_001128849.3); c.4095T>C, p.His1365= (NM_001411150.1); c.4171-1826T>C (NM_001128844.3, NM_003072.5); c.4072-1826T>C (NM_001128847.4, NM_001374457.1, NM_001128848.2); c.4072-1817T>C (NM_001128845.2, NM_001128846.2).
Identifiers: ClinVar variation 4170190 (VCV004170190.1).